The following is an entry in ClinVar:

ClinVar aggregate classification (germline): Uncertain significance (1 of 4 stars; one submission).

gnomAD v4.1: 8 of 1,614,038 alleles (0.0005%); highest among the groups gnomAD compares: African/African-American, 0.0013%; no homozygotes.

Submission:

Labcorp Genetics (formerly Invitae), Labcorp
Classification: Uncertain significance. Last evaluated: 2024-06-11. Review status: criteria provided, single submitter. Criteria: Invitae Variant Classification Sherloc (09022015). Collection method: clinical testing. Allele origin: germline.
Comment: This sequence change replaces glutamic acid, which is acidic and polar, with glycine, which is neutral and non-polar, at codon 2791 of the BPTF protein (p.Glu2791Gly). This variant is present in population databases (rs781869770, gnomAD 0.007%). This variant has not been reported in the literature in individuals affected with BPTF-related conditions. An algorithm developed to predict the effect of missense changes on protein structure and function (PolyPhen-2) suggests that this variant is likely to be disruptive. In summary, the available evidence is currently insufficient to determine the role of this variant in disease. Therefore, it has been classified as a Variant of Uncertain Significance.

NM_182641.4(BPTF):c.8423A>G (p.Glu2808Gly)

Gene: BPTF (bromodomain PHD finger transcription factor; plus strand). Cytogenetic location: 17q24.2.
Variant type: single nucleotide variant.
Coding change: c.8423A>G on transcript NM_182641.4 (MANE Select); coding-DNA position 8423, A replaced by G.
Protein change: p.Glu2808Gly; replaces glutamic acid 2808 with glycine.
Molecular consequence: missense variant.
Genome position (GRCh38, 1-based): chr17:67,964,373, A>G. VCF-style: chr17-67964373-A-G. GRCh37 (hg19) VCF-style: chr17-65960489-A-G.
Other names: c.8372A>G, p.Glu2791Gly (NM_004459.7); short protein forms E2808G, E2791G.
Identifiers: ClinVar variation 3697948 (VCV003697948.2).